The following is an entry in ClinVar:

ClinVar aggregate classification (germline): Uncertain significance (1 of 4 stars; one submission).

Submission:

GeneDx
Classification: Uncertain significance. Last evaluated: 2023-07-14. Review status: criteria provided, single submitter. Criteria: GeneDx Variant Classification Process June 2021. Collection method: clinical testing. Allele origin: germline. Affected: yes.
Comment: Not observed at significant frequency in large population cohorts (gnomAD); In silico analysis supports that this missense variant does not alter protein structure/function; Has not been previously published as pathogenic or benign to our knowledge

NM_138459.5(NUS1):c.645A>C (p.Gln215His)

Gene: NUS1 (NUS1 dehydrodolichyl diphosphate synthase subunit; plus strand). Cytogenetic location: 6q22.1.
Variant type: single nucleotide variant.
Coding change: c.645A>C on transcript NM_138459.5 (MANE Select); coding-DNA position 645, A replaced by C.
Protein change: p.Gln215His; replaces glutamine 215 with histidine.
Molecular consequence: missense variant.
Genome position (GRCh38, 1-based): chr6:117,694,134, A>C. VCF-style: chr6-117694134-A-C. GRCh37 (hg19) VCF-style: chr6-118015297-A-C.
Other names: short protein forms Q215H.
Identifiers: ClinVar variation 3361042 (VCV003361042.1).